The following is an entry in ClinVar:

NM_000069.3(CACNA1S):c.1568delinsAGATGCCATGA (p.Gly523delinsGluMetProTer)

Gene: CACNA1S (calcium voltage-gated channel subunit alpha1 S; minus strand). Cytogenetic location: 1q32.1.
Variant type: Indel.
Coding change: c.1568delinsAGATGCCATGA on transcript NM_000069.3 (MANE Select); coding-DNA position 1568, G replaced by AGATGCCATGA.
Protein change: p.Gly523delinsGluMetProTer.
Molecular consequence: nonsense.
Genome position (GRCh38, 1-based): chr1:201,077,930, C replaced by TCATGGCATCT on the plus strand (G replaced by AGATGCCATGA on the coding strand, the reverse complement: CACNA1S is on the minus strand). VCF-style: chr1-201077930-C-TCATGGCATCT. GRCh37 (hg19) VCF-style: chr1-201047058-C-TCATGGCATCT.
Identifiers: ClinVar variation 4756508 (VCV004756508.1).

ClinVar aggregate classification (germline): Uncertain significance (1 of 4 stars; one submission).

Conditions:
Malignant hyperthermia, susceptibility to, 5 (MHS5). Also called: CACNA1S-Related Malignant Hyperthermia Susceptibility. Identifiers: Orphanet 423, MedGen C1866077, MONDO:0011163, OMIM 601887.

Submission:

Color Diagnostics, LLC DBA Color Health
Classification: Uncertain significance for Malignant hyperthermia, susceptibility to, 5. Last evaluated: 2025-09-10. Review status: criteria provided, single submitter. Criteria: ACMG Guidelines, 2015. Collection method: clinical testing. Allele origin: germline.
Comment: This variant deletes 1 nucleotide and inserts 11 nucleotides in exon 11 of the CACNA1S gene, creating a frameshift and premature translation stop signal. This variant is expected to result in an absent or non-functional protein product. To our knowledge, this variant has not been reported in individuals affected with CACNA1S-related disorders in the literature. This variant has not been identified in the general population by the Genome Aggregation Database (gnomAD). Loss of CACNA1S gene function due to haploinsufficiency is not an established disease mechanism for autosomal dominant malignant hyperthermia susceptibility. Therefore, this variant is classified as a Variant of Uncertain Significance.